The following is an entry in ClinVar:

ClinVar aggregate classification (germline): Uncertain significance. Review status: criteria provided, multiple submitters, no conflicts (2 of 4 stars). 2 submissions from 2 submitters: Uncertain significance (2). Last evaluated 2024-02-28.

Conditions:
Ciliary dyskinesia, primary, 37 (CILD37). Also called: CILIARY DYSKINESIA, PRIMARY, 37, WITH OR WITHOUT SITUS INVERSUS. Identifiers: MedGen C4539798, MONDO:0033204, OMIM 617577.
Spermatogenic failure 18. Identifiers: MedGen C4539783, MONDO:0054615, OMIM 617576.

Allele frequency attached by ClinVar (database versions not stated): gnomAD exomes 0.00002 and 0.00008; ExAC 0.00003; gnomAD 0.00003 and 0.00004; TOPMed 0.00004.
gnomAD v4.1: 124 of 1,613,782 alleles (0.0077%); highest among the groups gnomAD compares: Non-Finnish European, 0.0099%; no homozygotes.

Submissions (2):

Ambry Genetics
Classification: Uncertain significance. Last evaluated: 2024-02-28. Review status: criteria provided, single submitter. Criteria: Ambry Variant Classification Scheme 2023. Collection method: clinical testing. Allele origin: germline.

Labcorp Genetics (formerly Invitae), Labcorp
Classification: Uncertain significance for Ciliary dyskinesia, primary, 37; Spermatogenic failure 18. Last evaluated: 2022-06-20. Review status: criteria provided, single submitter. Criteria: Invitae Variant Classification Sherloc (09022015). Collection method: clinical testing. Allele origin: germline.
Comment: This sequence change replaces valine, which is neutral and non-polar, with glycine, which is neutral and non-polar, at codon 1497 of the DNAH1 protein (p.Val1497Gly). This variant is present in population databases (rs749000098, gnomAD 0.008%). This variant has not been reported in the literature in individuals affected with DNAH1-related conditions. ClinVar contains an entry for this variant (Variation ID: 1013741). Algorithms developed to predict the effect of missense changes on protein structure and function (SIFT, PolyPhen-2, Align-GVGD) all suggest that this variant is likely to be disruptive. In summary, the available evidence is currently insufficient to determine the role of this variant in disease. Therefore, it has been classified as a Variant of Uncertain Significance.

NM_015512.5(DNAH1):c.4490T>G (p.Val1497Gly)

Gene: DNAH1 (dynein axonemal heavy chain 1; plus strand). Cytogenetic location: 3p21.1.
Variant type: single nucleotide variant.
Coding change: c.4490T>G on transcript NM_015512.5 (MANE Select); coding-DNA position 4490, T replaced by G.
Protein change: p.Val1497Gly; replaces valine 1497 with glycine.
Molecular consequence: missense variant.
Genome position (GRCh38, 1-based): chr3:52,359,998, T>G. VCF-style: chr3-52359998-T-G. GRCh37 (hg19) VCF-style: chr3-52394014-T-G.
Other names: c.4490T>G (NM_015512.4); short protein forms V1497G.
Identifiers: ClinVar variation 1013741 (VCV001013741.3), dbSNP rs749000098, ClinGen allele CA2433921.